The following is an entry in ClinVar:

NM_014846.4(WASHC5):c.2404del (p.Gln802fs)

Gene: WASHC5 (WASH complex subunit 5; minus strand). Cytogenetic location: 8q24.13.
Variant type: Deletion.
Coding change: c.2404del on transcript NM_014846.4 (MANE Select); coding-DNA position 2404, one base deleted (C; older notation c.2404delC).
Protein change: p.Gln802fs; shifts the reading frame from glutamine 802.
Molecular consequence: frameshift variant.
Genome position (GRCh38, 1-based): chr8:125,047,307, G deleted on the plus strand (C on the coding strand, the reverse complement: WASHC5 is on the minus strand); the first of 2 consecutive G bases (chr8:125,047,307-125,047,308); deleting either gives the same sequence. VCF-style (leftmost placement, unchanged base first): chr8-125047306-TG-T. GRCh37 (hg19) VCF-style: chr8-126059548-TG-T.
Other names: c.1960del, p.Gln654fs (NM_001330609.2); short protein forms Q654fs, Q802fs.
Identifiers: ClinVar variation 2658803 (VCV002658803.24), dbSNP rs2537313407, ClinGen allele CA2695201526.

ClinVar aggregate classification (germline): Uncertain significance (1 of 4 stars; one submission).

Submission:

CeGaT Center for Human Genetics Tuebingen
Classification: Uncertain significance. Last evaluated: 2023-08-01. Review status: criteria provided, single submitter. Criteria: CeGaT Center For Human Genetics Tuebingen Variant Classification Criteria Version 2. Collection method: clinical testing. Allele origin: germline. Affected: yes. Observed: 1 variant allele.
Comment: WASHC5: PM2